The following is an entry in ClinVar:

NM_025136.4(OPA3):c.193G>A (p.Gly65Ser)

Genes: OPA3 (outer mitochondrial membrane lipid metabolism regulator OPA3; minus strand), OPA3-RTN2 (OPA3-RTN2 readthrough; minus strand). Cytogenetic location: 19q13.32.
Variant type: single nucleotide variant.
Coding change: c.193G>A on transcript NM_025136.4 (MANE Select); coding-DNA position 193, G replaced by A.
Protein change: p.Gly65Ser; replaces glycine 65 with serine.
Molecular consequence: missense variant. On other transcripts: intron variant (1).
Genome position (GRCh38, 1-based): chr19:45,553,861, C>T on the plus strand (G>A on the coding strand, the complement: OPA3 is on the minus strand). VCF-style: chr19-45553861-C-T. GRCh37 (hg19) VCF-style: chr19-46057119-C-T.
Other names: c.143-24405G>A (NM_001017989.3); short protein forms G65S.
Identifiers: ClinVar variation 4059198 (VCV004059198.2).

ClinVar aggregate classification (germline): Uncertain significance. Review status: criteria provided, single submitter (1 of 4 stars). 2 submissions from 2 submitters: Uncertain significance (1). 1 of the submissions does not count toward it. Last evaluated 2025-12-03.

Conditions:
Optic atrophy 3 (OPA3). Also called: OPTIC ATROPHY 3, AUTOSOMAL DOMINANT; Optic atrophy, cataract, and neurologic disorder; Optic atrophy 3 with cataract. Identifiers: Orphanet 67036, MedGen C1833809, MONDO:0008133, OMIM 165300.
3-Methylglutaconic aciduria type 3 (MGCA3). Also called: OPA3, AUTOSOMAL RECESSIVE; OPTIC ATROPHY 3, AUTOSOMAL RECESSIVE; OPA3-Related 3-Methylglutaconic Aciduria; Costeff Syndrome. Identifiers: Orphanet 67047, MedGen C0574084, MONDO:0009787, OMIM 258501.

gnomAD v4.1: 1 of 1,611,652 alleles (0.000062%); highest among the groups gnomAD compares: Admixed American, 0.0017%; no homozygotes.

Submissions (2):

Labcorp Genetics (formerly Invitae), Labcorp
Classification: Uncertain significance for 3-Methylglutaconic aciduria type 3; Optic atrophy 3. Last evaluated: 2025-12-03. Review status: criteria provided, single submitter. Criteria: Invitae Variant Classification Sherloc (09022015). Collection method: clinical testing. Allele origin: germline.
Comment: This sequence change replaces glycine, which is neutral and non-polar, with serine, which is neutral and polar, at codon 65 of the OPA3 protein (p.Gly65Ser). This variant is not present in population databases (gnomAD no frequency). This variant has not been reported in the literature in individuals affected with OPA3-related conditions. ClinVar contains an entry for this variant (Variation ID: 4059198). An algorithm developed to predict the effect of missense changes on protein structure and function (PolyPhen-2) suggests that this variant is likely to be tolerated. In summary, the available evidence is currently insufficient to determine the role of this variant in disease. Therefore, it has been classified as a Variant of Uncertain Significance.

Natera, Inc.
Classification: Uncertain significance for 3-methylglutaconic aciduria type 3. Last evaluated: 2025-03-27. Review status: no assertion criteria provided. Collection method: clinical testing. Allele origin: germline. Not counted in ClinVar's aggregate classification.